The following is an entry in ClinVar:

ClinVar aggregate classification (germline): Uncertain significance (1 of 4 stars; one submission).

Allele frequency attached by ClinVar (database versions not stated): TOPMed below 0.00001; ExAC 0.00001; gnomAD exomes 0.00001.
gnomAD v4.1: 10 of 1,613,916 alleles (0.00062%); highest among the groups gnomAD compares: Non-Finnish European, 0.00076%; no homozygotes.

Submission:

Labcorp Genetics (formerly Invitae), Labcorp
Classification: Uncertain significance. Last evaluated: 2023-06-05. Review status: criteria provided, single submitter. Criteria: Invitae Variant Classification Sherloc (09022015). Collection method: clinical testing. Allele origin: germline.
Comment: Advanced modeling of protein sequence and biophysical properties (such as structural, functional, and spatial information, amino acid conservation, physicochemical variation, residue mobility, and thermodynamic stability) has been performed at Invitae for this missense variant, however the output from this modeling did not meet the statistical confidence thresholds required to predict the impact of this variant on CACNA1E protein function. This sequence change replaces arginine, which is basic and polar, with tryptophan, which is neutral and slightly polar, at codon 590 of the CACNA1E protein (p.Arg590Trp). This variant is present in population databases (rs760975849, gnomAD 0.004%). This variant has not been reported in the literature in individuals affected with CACNA1E-related conditions. In summary, the available evidence is currently insufficient to determine the role of this variant in disease. Therefore, it has been classified as a Variant of Uncertain Significance.

NM_001205293.3(CACNA1E):c.1768C>T (p.Arg590Trp)

Gene: CACNA1E (calcium voltage-gated channel subunit alpha1 E; plus strand). Cytogenetic location: 1q25.3.
Variant type: single nucleotide variant.
Coding change: c.1768C>T on transcript NM_001205293.3 (MANE Select); coding-DNA position 1768, C replaced by T.
Protein change: p.Arg590Trp; replaces arginine 590 with tryptophan.
Molecular consequence: missense variant.
Genome position (GRCh38, 1-based): chr1:181,720,222, C>T. VCF-style: chr1-181720222-C-T. GRCh37 (hg19) VCF-style: chr1-181689358-C-T.
Other names: c.1768C>T, p.Arg590Trp (NM_000721.4, NM_001205294.2); short protein forms R590W.
Identifiers: ClinVar variation 2710687 (VCV002710687.3), dbSNP rs760975849, ClinGen allele CA1275188.